The following is an entry in ClinVar:

ClinVar aggregate classification (germline): Uncertain significance. Review status: criteria provided, multiple submitters, no conflicts (2 of 4 stars). 2 submissions from 2 submitters: Uncertain significance (2). Last evaluated 2026-08-24.

Conditions:
LSR-related condition.

Allele frequency attached by ClinVar (database versions not stated): gnomAD 0.00001; gnomAD exomes 0.00002; TOPMed 0.00002; ExAC 0.00003.
gnomAD v4.1: 11 of 1,611,018 alleles (0.00068%); highest among the groups gnomAD compares: Admixed American, 0.017%; no homozygotes.

Submissions (2):

PreventionGenetics, part of Exact Sciences
Classification: Uncertain significance for LSR-related condition. Last evaluated: 2026-08-24. Review status: criteria provided, single submitter. Criteria: ACMG Guidelines, 2015. Collection method: clinical testing. Allele origin: germline.
Comment: The LSR c.1284G>C variant is predicted to result in the amino acid substitution p.Glu428Asp. To our knowledge, this variant has not been reported in the literature. This variant is reported in 0.015% of alleles in individuals of Latino descent in gnomAD. At this time, the clinical significance of this variant is uncertain due to the absence of conclusive functional and genetic evidence.

Ambry Genetics
Classification: Uncertain significance. Last evaluated: 2024-01-19. Review status: criteria provided, single submitter. Criteria: Ambry Variant Classification Scheme 2023. Collection method: clinical testing. Allele origin: germline.

NM_205834.4(LSR):c.1140G>C (p.Glu380Asp)

Gene: LSR (lipolysis stimulated lipoprotein receptor; plus strand). Cytogenetic location: 19q13.12.
Variant type: single nucleotide variant.
Coding change: c.1140G>C on transcript NM_205834.4 (MANE Select); coding-DNA position 1140, G replaced by C.
Protein change: p.Glu380Asp; replaces glutamic acid 380 with aspartic acid.
Molecular consequence: missense variant.
Genome position (GRCh38, 1-based): chr19:35,266,963, G>C. VCF-style: chr19-35266963-G-C. GRCh37 (hg19) VCF-style: chr19-35757866-G-C.
Other names: c.1080G>C, p.Glu360Asp (NM_001260489.2); c.816G>C, p.Glu272Asp (NM_001260490.2); c.933G>C, p.Glu311Asp (NM_001385215.1); c.1083G>C, p.Glu361Asp (NM_015925.7); c.936G>C, p.Glu312Asp (NM_205835.4); c.1284G>C (NM_205834.3); short protein forms E272D, E361D, E380D, E312D, E360D, E311D.
Identifiers: ClinVar variation 3121341 (VCV003121341.2), dbSNP rs779049944, ClinGen allele CA9374991.